The following is an entry in ClinVar:

ClinVar aggregate classification (germline): Uncertain significance (1 of 4 stars; one submission).

Allele frequency attached by ClinVar (database versions not stated): ExAC 0.00002; gnomAD 0.00002.
gnomAD v4.1: 15 of 1,612,562 alleles (0.00093%); highest among the groups gnomAD compares: Non-Finnish European, 0.0013%; no homozygotes.

Submission:

Labcorp Genetics (formerly Invitae), Labcorp
Classification: Uncertain significance. Last evaluated: 2022-02-28. Review status: criteria provided, single submitter. Criteria: Invitae Variant Classification Sherloc (09022015). Collection method: clinical testing. Allele origin: germline.
Comment: This sequence change replaces serine, which is neutral and polar, with tyrosine, which is neutral and polar, at codon 112 of the DHX38 protein (p.Ser112Tyr). This variant is present in population databases (rs765620584, gnomAD 0.003%). This variant has not been reported in the literature in individuals affected with DHX38-related conditions. Algorithms developed to predict the effect of missense changes on protein structure and function are either unavailable or do not agree on the potential impact of this missense change (SIFT: "Deleterious"; PolyPhen-2: "Benign"; Align-GVGD: "Class C0"). In summary, the available evidence is currently insufficient to determine the role of this variant in disease. Therefore, it has been classified as a Variant of Uncertain Significance.

NM_014003.4(DHX38):c.335C>A (p.Ser112Tyr)

Gene: DHX38 (DEAH-box helicase 38; plus strand). Cytogenetic location: 16q22.2.
Variant type: single nucleotide variant.
Coding change: c.335C>A on transcript NM_014003.4 (MANE Select); coding-DNA position 335, C replaced by A.
Protein change: p.Ser112Tyr; replaces serine 112 with tyrosine.
Molecular consequence: missense variant.
Genome position (GRCh38, 1-based): chr16:72,096,833, C>A. VCF-style: chr16-72096833-C-A. GRCh37 (hg19) VCF-style: chr16-72130732-C-A.
Other names: short protein forms S112Y.
Identifiers: ClinVar variation 1927173 (VCV001927173.2), dbSNP rs765620584, ClinGen allele CA8159934.
Genomic context (GRCh38, chr16:72,096,833, plus strand): 5'-AGTTTTTCTCCTATGGAGGGGCCTTTACCAGTTGCTCTCCCTGTTTCAGACATTATCGGT[C>A]TGCTCGGGTAGAGACTCCATCCCATCCGGGTGGTGTGAGCGAAGAGTTTTGGGAACGCAG-3'
Protein context (NP_054722.2, residues 102-122): QNIRKDRHYR[Ser112Tyr]ARVETPSHPG